The following is an entry in ClinVar:

ClinVar aggregate classification (germline): Uncertain significance (1 of 4 stars; one submission).

Submission:

CeGaT Center for Human Genetics Tuebingen
Classification: Uncertain significance. Last evaluated: 2022-07-01. Review status: criteria provided, single submitter. Criteria: CeGaT Center For Human Genetics Tuebingen Variant Classification Criteria Version 2. Collection method: clinical testing. Allele origin: germline. Affected: yes. Observed: 1 variant allele.
Comment: MAST1: PM2, PP2

NM_014975.3(MAST1):c.1901G>A (p.Gly634Glu)

Gene: MAST1 (microtubule associated serine/threonine kinase 1; plus strand). Cytogenetic location: 19p13.13.
Variant type: single nucleotide variant.
Coding change: c.1901G>A on transcript NM_014975.3 (MANE Select); coding-DNA position 1901, G replaced by A.
Protein change: p.Gly634Glu; replaces glycine 634 with glutamic acid.
Molecular consequence: missense variant.
Genome position (GRCh38, 1-based): chr19:12,865,813, G>A. VCF-style: chr19-12865813-G-A. GRCh37 (hg19) VCF-style: chr19-12976627-G-A.
Other names: short protein forms G634E.
Identifiers: ClinVar variation 1701352 (VCV001701352.31), dbSNP rs2145907709, ClinGen allele CA404274142.
Genomic context (GRCh38, chr19:12,865,813, plus strand): 5'-CTACGGAGGCCCAACTCCTCATATCCAGCCTCCTGCAGACCAACCCTCTGGTCAGGCTTG[G>A]GGCAGGTAAGTCCGCCATGCAGAGGAGCTGAGGGCCCACTGATAGAGAGCAGGCCTCCAA-3'
Protein context (NP_055790.1, residues 624-644): LLQTNPLVRL[Gly634Glu]AGGAFEVKQH